The following is an entry in ClinVar:

GRCh38/hg38 15q13.1-13.3(chr15:28314197-32343758)x1

Genes: ENTREP2 (endosomal transmembrane epsin interactor 2; minus strand), HERC2 (HECT and RLD domain containing E3 ubiquitin protein ligase 2; minus strand), LINC02352 (long intergenic non-protein coding RNA 2352; plus strand), LINC03034 (long intergenic non-protein coding RNA 3034; minus strand), KLF13 (KLF transcription factor 13; plus strand) and 59 more. Cytogenetic location: 15q13.1-13.3.
Variant type: copy number loss.
Change: copy number 1 (one copy instead of two) of chr15:28,314,197-32,343,758 (4.03 Mb, GRCh38 coordinates, 1-based), cytogenetic band 15q13.1-13.3.
Identifiers: ClinVar variation 57008 (VCV000057008.1).

ClinVar aggregate classification (germline): Pathogenic (1 of 4 stars; one submission).

Submission:

ISCA site 4
Classification: Pathogenic. Last evaluated: 2011-08-12. Review status: criteria provided, single submitter. Criteria: Kaminsky et al. (Genet Med. 2011). Collection method: clinical testing. Allele origin: unknown. Affected: yes. Observed: 1 variant allele.
Comment: Copy number variation identified through the course of routine clinical cytogenomic testing in postnatal populations. Clinical assertions have been curated as described in Kaminsky et al. 2011.